The following is an entry in ClinVar:

ClinVar aggregate classification (germline): Uncertain significance (1 of 4 stars; one submission).

Allele frequency attached by ClinVar (database versions not stated): gnomAD exomes below 0.00001; gnomAD 0.00002; TOPMed 0.00003.
gnomAD v4.1: 4 of 1,613,388 alleles (0.00025%); highest among the groups gnomAD compares: African/African-American, 0.0053%; no homozygotes.

Submission:

Women's Health and Genetics/Laboratory Corporation of America, LabCorp
Classification: Uncertain significance. Last evaluated: 2024-02-06. Review status: criteria provided, single submitter. Criteria: LabCorp Variant Classification Summary - May 2015. Collection method: clinical testing. Allele origin: germline.
Comment: Variant summary: TTN c.62675T>G (p.Leu20892Arg) results in a non-conservative amino acid change located in the A-band domain of the encoded protein sequence. Three of five in-silico tools predict a damaging effect of the variant on protein function. The variant was absent in 248554 control chromosomes. The available data on variant occurrences in the general population are insufficient to allow any conclusion about variant significance. c.62675T>G has been reported in the literature in individuals affected with abnormal QT interval without strong evidence for causality (e.g. Kapoor_2016). This report does not provide unequivocal conclusions about association of the variant with Dilated Cardiomyopathy. To our knowledge, no experimental evidence demonstrating an impact on protein function has been reported. The following publication has been ascertained in the context of this evaluation (PMID: 27321809). No submitters have cited clinical-significance assessments for this variant to ClinVar. Based on the evidence outlined above, the variant was classified as uncertain significance.

Literature cited by the submitters: PubMed 27321809.

NM_001267550.2(TTN):c.70379T>G (p.Leu23460Arg)

Genes: TTN (titin; minus strand), TTN-AS1 (TTN antisense RNA 1; plus strand), LOC126806422 (BRD4-independent group 4 enhancer GRCh37_chr2:179440205-179441404; plus strand). Cytogenetic location: 2q31.2.
Variant type: single nucleotide variant.
Coding change: c.70379T>G on transcript NM_001267550.2 (MANE Select); coding-DNA position 70379, T replaced by G.
Protein change: p.Leu23460Arg; replaces leucine 23460 with arginine.
Molecular consequence: missense variant.
Genome position (GRCh38, 1-based): chr2:178,575,753, A>C on the plus strand (T>G on the coding strand, the complement: TTN is on the minus strand). VCF-style: chr2-178575753-A-C. GRCh37 (hg19) VCF-style: chr2-179440480-A-C.
Other names: c.65456T>G, p.Leu21819Arg (NM_001256850.1); c.43184T>G, p.Leu14395Arg (NM_003319.4); c.62675T>G, p.Leu20892Arg (NM_133378.4); c.43559T>G, p.Leu14520Arg (NM_133432.3); c.43760T>G, p.Leu14587Arg (NM_133437.4); short protein forms L14395R, L14520R, L14587R, L20892R, L21819R, L23460R.
Identifiers: ClinVar variation 3068809 (VCV003068809.2), dbSNP rs879027466, ClinGen allele CA61003227.